The following is an entry in ClinVar:

ClinVar aggregate classification (germline): Pathogenic/Likely pathogenic. Review status: criteria provided, multiple submitters, no conflicts (2 of 4 stars). 2 submissions from 2 submitters: Pathogenic (1); Likely pathogenic (1). Last evaluated 2024-05-14.

Conditions:
RAPSN-related disorder. Also called: RAPSN-related condition; RAPSN-related disorders. Identifiers: MedGen CN239397.
Fetal akinesia deformation sequence 2. Identifiers: MedGen C4760576, MONDO:0100102, OMIM 618388.

Submissions (2):

Myriad Genetics, Inc.
Classification: Pathogenic for RAPSN-related disorder. Last evaluated: 2024-05-14. Review status: criteria provided, single submitter. Criteria: Myriad Autosomal Dominant, Autosomal Recessive and X-Linked Classification Criteria (2023). Collection method: clinical testing. Allele origin: unknown.
Comment: NM_005055.4(RAPSN):c.737_738insA(L247Afs*8) is expected to be pathogenic in the context of RAPSN-related disorders. This variant is predicted to lead to an abnormal or absent protein product due to the creation of a premature termination codon in RAPSN, a gene where loss-of-function variants are known to be pathogenic. Please note: this variant was assessed in the context of healthy population screening.

Baylor Genetics
Classification: Likely pathogenic for Fetal akinesia deformation sequence 2. Last evaluated: 2022-11-28. Review status: criteria provided, single submitter. Criteria: ACMG Guidelines, 2015. Collection method: clinical testing. Allele origin: unknown.

NM_005055.5(RAPSN):c.737_738insA (p.Leu247fs)

Gene: RAPSN (receptor associated protein of the synapse; minus strand). Cytogenetic location: 11p11.2.
Variant type: Insertion.
Coding change: c.737_738insA on transcript NM_005055.5 (MANE Select); coding-DNA positions 737 to 738, A inserted.
Protein change: p.Leu247fs; shifts the reading frame from leucine 247.
Molecular consequence: frameshift variant.
Genome position: GRCh38 VCF-style: chr11-47441874-C-CT. GRCh37 (hg19) VCF-style: chr11-47463426-C-CT.
Other names: c.737_738insA, p.Leu247fs (NM_032645.5); short protein forms L247fs.
Identifiers: ClinVar variation 2678231 (VCV002678231.2), dbSNP rs2496102492, ClinGen allele CA2574817152.
Genomic context (GRCh38, chr11:47,441,874, plus strand): 5'-TGACCTCACCTCCAGGTCCCCACGGCTCCGGTGGATGTCAGCGAAGCAGAGCAGGCAGAG[C>CT]GCCTGCAGTGGCCGGTCCCCGTGCTGCAGCGCGATCTTCATAGACTCCTGCGAGGGAGGC-3'